The following is an entry in ClinVar:

ClinVar aggregate classification (germline): Uncertain significance (1 of 4 stars; one submission).

Submission:

Labcorp Genetics (formerly Invitae), Labcorp
Classification: Uncertain significance. Last evaluated: 2022-08-15. Review status: criteria provided, single submitter. Criteria: Invitae Variant Classification Sherloc (09022015). Collection method: clinical testing. Allele origin: germline.
Comment: Algorithms developed to predict the effect of missense changes on protein structure and function are either unavailable or do not agree on the potential impact of this missense change (SIFT: "Not Available"; PolyPhen-2: "Possibly Damaging"; Align-GVGD: "Not Available"). In summary, the available evidence is currently insufficient to determine the role of this variant in disease. Therefore, it has been classified as a Variant of Uncertain Significance. This sequence change replaces threonine, which is neutral and polar, with arginine, which is basic and polar, at codon 568 of the CDH3 protein (p.Thr568Arg). This variant is not present in population databases (gnomAD no frequency). This variant has not been reported in the literature in individuals affected with CDH3-related conditions. ClinVar contains an entry for this variant (Variation ID: 1476196).

NM_001793.6(CDH3):c.1703C>G (p.Thr568Arg)

Gene: CDH3 (cadherin 3; plus strand). Cytogenetic location: 16q22.1.
Variant type: single nucleotide variant.
Coding change: c.1703C>G on transcript NM_001793.6 (MANE Select); coding-DNA position 1703, C replaced by G.
Protein change: p.Thr568Arg; replaces threonine 568 with arginine.
Molecular consequence: missense variant.
Genome position (GRCh38, 1-based): chr16:68,687,644, C>G. VCF-style: chr16-68687644-C-G. GRCh37 (hg19) VCF-style: chr16-68721547-C-G.
Other names: c.1703C>G, p.Thr568Arg (NM_001317195.3); c.1538C>G, p.Thr513Arg (NM_001317196.2); short protein forms T513R, T568R.
Identifiers: ClinVar variation 1476196 (VCV001476196.8), dbSNP rs149493245, ClinGen allele CA396454839.